The following is an entry in ClinVar:

NM_002755.4(MAP2K1):c.895+181A>G

Gene: MAP2K1 (mitogen-activated protein kinase kinase 1; plus strand). Cytogenetic location: 15q22.31.
Variant type: single nucleotide variant.
Coding change: c.895+181A>G on transcript NM_002755.4 (MANE Select); 181 bases into the intron after coding-DNA position 895, A replaced by G.
Molecular consequence: intron variant.
Genome position (GRCh38, 1-based): chr15:66,485,372, A>G. VCF-style: chr15-66485372-A-G. GRCh37 (hg19) VCF-style: chr15-66777710-A-G.
Identifiers: ClinVar variation 561365 (VCV000561365.1), dbSNP rs77824107, ClinGen allele CA271674281.

ClinVar aggregate classification (germline): Benign (1 of 4 stars; one submission).

Allele frequency attached by ClinVar (database versions not stated): gnomAD 0.01607 and 0.01717; TOPMed 0.01864; 1000 Genomes Project 0.01937; 1000 Genomes Project 30x 0.02139.
gnomAD v4.1: 2,418 of 152,256 alleles (1.6%); highest among the groups gnomAD compares: African/African-American, 5.5%; 60 homozygotes.

Submission:

GeneDx
Classification: Benign. Last evaluated: 2018-06-19. Review status: criteria provided, single submitter. Criteria: GeneDx Variant Classification (06012015). Collection method: clinical testing. Allele origin: germline. Affected: yes.
Comment: This variant is considered likely benign or benign based on one or more of the following criteria: it is a conservative change, it occurs at a poorly conserved position in the protein, it is predicted to be benign by multiple in silico algorithms, and/or has population frequency not consistent with disease.